The following is an entry in ClinVar:

NM_001039141.3(TRIOBP):c.3867C>T (p.Pro1289=)

Gene: TRIOBP (TRIO and F-actin binding protein; plus strand). Cytogenetic location: 22q13.1.
Variant type: single nucleotide variant.
Coding change: c.3867C>T on transcript NM_001039141.3 (MANE Select); coding-DNA position 3867, C replaced by T.
Protein change: p.Pro1289=; no amino-acid change (proline 1289 retained).
Molecular consequence: synonymous variant.
Genome position (GRCh38, 1-based): chr22:37,726,423, C>T. VCF-style: chr22-37726423-C-T. GRCh37 (hg19) VCF-style: chr22-38122430-C-T.
Identifiers: ClinVar variation 1196722 (VCV001196722.7), dbSNP rs765867142, ClinGen allele CA10224232.

ClinVar aggregate classification (germline): Likely benign. Review status: criteria provided, multiple submitters, no conflicts (2 of 4 stars). 4 submissions from 4 submitters: Likely benign (4). Last evaluated 2026-04-14.

Conditions:
TRIOBP-related disorder. Also called: TRIOBP-related condition.

Allele frequency attached by ClinVar (database versions not stated): gnomAD exomes 0.00002 and 0.00006; ExAC 0.00003; TOPMed 0.00007; gnomAD 0.00009 and 0.00010.
gnomAD v4.1: 46 of 1,587,662 alleles (0.0029%); highest among the groups gnomAD compares: Admixed American, 0.023%; no homozygotes.

Submissions (4):

PreventionGenetics, part of Exact Sciences
Classification: Likely benign for TRIOBP-related condition. Last evaluated: 2026-04-14. Review status: criteria provided, single submitter. Criteria: ACMG Guidelines, 2015. Collection method: clinical testing. Allele origin: germline.
Comment: This variant is classified as likely benign based on ACMG/AMP sequence variant interpretation guidelines (Richards et al. 2015 PMID: 25741868, with internal and published modifications).

Labcorp Genetics (formerly Invitae), Labcorp
Classification: Likely benign. Last evaluated: 2025-09-08. Review status: criteria provided, single submitter. Criteria: Invitae Variant Classification Sherloc (09022015). Collection method: clinical testing. Allele origin: germline.

Blueprint Genetics
Classification: Likely benign. Last evaluated: 2024-09-05. Review status: criteria provided, single submitter. Criteria: ACMG Guidelines, 2015. Collection method: clinical testing. Allele origin: germline.

GeneDx
Classification: Likely benign. Last evaluated: 2020-12-31. Review status: criteria provided, single submitter. Criteria: GeneDx Variant Classification Process June 2021. Collection method: clinical testing. Allele origin: germline. Affected: yes.